The following is an entry in ClinVar:

NM_206965.2(FTCD):c.92C>T (p.Pro31Leu)

Gene: FTCD (formimidoyltransferase cyclodeaminase; minus strand). Cytogenetic location: 21q22.3.
Variant type: single nucleotide variant.
Coding change: c.92C>T on transcript NM_206965.2 (MANE Select); coding-DNA position 92, C replaced by T.
Protein change: p.Pro31Leu; replaces proline 31 with leucine.
Molecular consequence: missense variant.
Genome position (GRCh38, 1-based): chr21:46,154,295, G>A on the plus strand (C>T on the coding strand, the complement: FTCD is on the minus strand). VCF-style: chr21-46154295-G-A. GRCh37 (hg19) VCF-style: chr21-47574209-G-A.
Other names: c.92C>T, p.Pro31Leu (NM_001320412.2, NM_006657.3); short protein forms P31L.
Identifiers: ClinVar variation 3097381 (VCV003097381.3), dbSNP rs371619712, ClinGen allele CA10074067.
Genomic context (GRCh38, chr21:46,154,295, plus strand): 5'-AAGGTGTACACGGTGCGGTTGGTGGAAGGGCCTGCGTCCACATCCAGCAGCACGCAGCCC[G>A]GGGTCTGTGTGATGGCTCCAGAGATGGCGTCGATCACCTGGGACACAGGCCCGGCCCCCA-3'
Protein context (NP_996848.1, residues 21-41): DAISGAITQT[Pro31Leu]GCVLLDVDAG

ClinVar aggregate classification (germline): Uncertain significance. Review status: criteria provided, multiple submitters, no conflicts (2 of 4 stars). 3 submissions from 3 submitters: Uncertain significance (3). Last evaluated 2025-10-02.

Conditions:
Glutamate formiminotransferase deficiency. Also called: Arakawa syndrome 1; Formiminoglutamic aciduria. Identifiers: Orphanet 51208, MedGen C0268609, MONDO:0009240, OMIM 229100.
Inborn genetic diseases. Identifiers: MedGen C0950123, MeSH D030342.

Allele frequency attached by ClinVar (database versions not stated): gnomAD exomes 0.00003 and 0.00006; ExAC 0.00008; gnomAD 0.00008; TOPMed 0.00008; ESP Exome Variant Server 0.00015; 1000 Genomes Project 0.00020; 1000 Genomes Project 30x 0.00031.
gnomAD v4.1: 64 of 1,611,620 alleles (0.004%); highest among the groups gnomAD compares: African/African-American, 0.023%; no homozygotes.

Submissions (3):

Labcorp Genetics (formerly Invitae), Labcorp
Classification: Uncertain significance for Glutamate formiminotransferase deficiency. Last evaluated: 2025-10-02. Review status: criteria provided, single submitter. Criteria: Invitae Variant Classification Sherloc (09022015). Collection method: clinical testing. Allele origin: germline.
Comment: This sequence change replaces proline, which is neutral and non-polar, with leucine, which is neutral and non-polar, at codon 31 of the FTCD protein (p.Pro31Leu). The frequency data for this variant in the population databases is considered unreliable, as metrics indicate poor data quality at this position in the gnomAD database. This variant has not been reported in the literature in individuals affected with FTCD-related conditions. ClinVar contains an entry for this variant (Variation ID: 3097381). Invitae Evidence Modeling of protein sequence and biophysical properties (such as structural, functional, and spatial information, amino acid conservation, physicochemical variation, residue mobility, and thermodynamic stability) indicates that this missense variant is not expected to disrupt FTCD protein function with a negative predictive value of 80%. In summary, the available evidence is currently insufficient to determine the role of this variant in disease. Therefore, it has been classified as a Variant of Uncertain Significance.

GeneDx
Classification: Uncertain significance. Last evaluated: 2024-12-17. Review status: criteria provided, single submitter. Criteria: GeneDx Variant Classification Process June 2021. Collection method: clinical testing. Allele origin: germline. Affected: yes.
Comment: In silico analysis supports that this missense variant has a deleterious effect on protein structure/function; Has not been previously published as pathogenic or benign to our knowledge

Ambry Genetics
Classification: Uncertain significance for Inborn genetic diseases. Last evaluated: 2024-01-17. Review status: criteria provided, single submitter. Criteria: Ambry Variant Classification Scheme 2023. Collection method: clinical testing. Allele origin: germline.